The following is an entry in ClinVar:

ClinVar aggregate classification (germline): Likely benign (1 of 4 stars; one submission).

Submission:

CeGaT Center for Human Genetics Tuebingen
Classification: Likely benign. Last evaluated: 2026-07-01. Review status: criteria provided, single submitter. Criteria: CeGaT Center For Human Genetics Tuebingen Variant Classification Criteria Version 2. Collection method: clinical testing. Allele origin: germline. Affected: yes. Observed: 1 variant allele.
Comment: KRTAP5-5: BP4, BP7

NM_001001480.3(KRTAP5-5):c.24A>G (p.Gly8=)

Gene: KRTAP5-5 (keratin associated protein 5-5; plus strand). Cytogenetic location: 11p15.5.
Variant type: single nucleotide variant.
Coding change: c.24A>G on transcript NM_001001480.3 (MANE Select); coding-DNA position 24, A replaced by G.
Protein change: p.Gly8=; no amino-acid change (glycine 8 retained).
Molecular consequence: synonymous variant.
Genome position (GRCh38, 1-based): chr11:1,629,864, A>G. VCF-style: chr11-1629864-A-G. GRCh37 (hg19) VCF-style: chr11-1651094-A-G.
Identifiers: ClinVar variation 5038626 (VCV005038626.1).